The following is an entry in ClinVar:

NM_000363.5(TNNI3):c.25-14T>A

Gene: TNNI3 (troponin I3, cardiac type; minus strand). Cytogenetic location: 19q13.42.
Variant type: single nucleotide variant.
Coding change: c.25-14T>A on transcript NM_000363.5 (MANE Select); 14 bases into the intron before coding-DNA position 25, T replaced by A.
Molecular consequence: intron variant.
Genome position (GRCh38, 1-based): chr19:55,157,147, A>T on the plus strand (T>A on the coding strand, the complement: TNNI3 is on the minus strand). VCF-style: chr19-55157147-A-T. GRCh37 (hg19) VCF-style: chr19-55668515-A-T.
Identifiers: ClinVar variation 3075450 (VCV003075450.1), dbSNP rs2515503916, ClinGen allele CA2825002823.

ClinVar aggregate classification (germline): Uncertain significance (1 of 4 stars; one submission).

Conditions:
Hypertrophic cardiomyopathy. Also called: HYPERTROPHIC MYOCARDIOPATHY. Identifiers: Orphanet 217569, MedGen C0007194, MeSH D002312, MONDO:0005045, HP:0001639.

Submission:

All of Us Research Program, National Institutes of Health
Classification: Uncertain significance for Hypertrophic cardiomyopathy. Last evaluated: 2024-02-05. Review status: criteria provided, single submitter. Criteria: ACMG Guidelines, 2015. Collection method: clinical testing. Allele origin: germline. Inheritance: Autosomal dominant inheritance. Observed: 1 variant allele, 1 heterozygote.
Comment: This variant causes a T to A nucleotide substitution at the -14 position of intron 2 of the TNNI3 gene. Splice site prediction tools are inconclusive regarding the impact of this variant on RNA splicing. To our knowledge, RNA studies have not been reported for this variant. This variant has not been reported in individuals affected with TNNI3-related disorders in the literature. This variant has not been identified in the general population by the Genome Aggregation Database (gnomAD). The available evidence is insufficient to determine the role of this variant in disease conclusively. Therefore, this variant is classified as a Variant of Uncertain Significance.

This study involves interpretation of variants in research participants for the purpose of population health screening. Participant phenotype was not available at the time of variant classification. Additional details can be found in publication PMID: 35346344, PMCID: PMC8962531